The following is an entry in ClinVar:

ClinVar aggregate classification (germline): Uncertain significance. Review status: criteria provided, multiple submitters, no conflicts (2 of 4 stars). 2 submissions from 2 submitters: Uncertain significance (2). Last evaluated 2024-10-09.

Allele frequency attached by ClinVar (database versions not stated): ExAC 0.00003; TOPMed 0.00010; gnomAD exomes 0.00014; ESP Exome Variant Server 0.00015.
gnomAD v4.1: 225 of 1,613,618 alleles (0.014%); highest among the groups gnomAD compares: Non-Finnish European, 0.017%; no homozygotes.

Submissions (2):

Ambry Genetics
Classification: Uncertain significance. Last evaluated: 2024-10-09. Review status: criteria provided, single submitter. Criteria: Ambry Variant Classification Scheme 2023. Collection method: clinical testing. Allele origin: germline.

Labcorp Genetics (formerly Invitae), Labcorp
Classification: Uncertain significance. Last evaluated: 2022-11-22. Review status: criteria provided, single submitter. Criteria: Invitae Variant Classification Sherloc (09022015). Collection method: clinical testing. Allele origin: germline.
Comment: In summary, the available evidence is currently insufficient to determine the role of this variant in disease. Therefore, it has been classified as a Variant of Uncertain Significance. Advanced modeling of protein sequence and biophysical properties (such as structural, functional, and spatial information, amino acid conservation, physicochemical variation, residue mobility, and thermodynamic stability) performed at Invitae indicates that this missense variant is not expected to disrupt ADD3 protein function. This variant has not been reported in the literature in individuals affected with ADD3-related conditions. This variant is present in population databases (rs145303833, gnomAD 0.009%). This sequence change replaces aspartic acid, which is acidic and polar, with glycine, which is neutral and non-polar, at codon 587 of the ADD3 protein (p.Asp587Gly).

NM_016824.5(ADD3):c.1760A>G (p.Asp587Gly)

Gene: ADD3 (adducin 3; plus strand). Cytogenetic location: 10q25.2.
Variant type: single nucleotide variant.
Coding change: c.1760A>G on transcript NM_016824.5 (MANE Select); coding-DNA position 1760, A replaced by G.
Protein change: p.Asp587Gly; replaces aspartic acid 587 with glycine.
Molecular consequence: missense variant. On other transcripts: intron variant (2).
Genome position (GRCh38, 1-based): chr10:110,132,332, A>G. VCF-style: chr10-110132332-A-G. GRCh37 (hg19) VCF-style: chr10-111892090-A-G.
Other names: c.1760A>G, p.Asp587Gly (NM_001320591.2, NM_001320592.2, NM_001320593.2); c.1526A>G, p.Asp509Gly (NM_001320594.2); c.1733-994A>G (NM_019903.5, NM_001121.4); c.1760A>G (NM_016824.3); short protein forms D509G, D587G.
Identifiers: ClinVar variation 2188671 (VCV002188671.5), dbSNP rs145303833, ClinGen allele CA5686722.